The following is an entry in ClinVar:

ClinVar aggregate classification (germline): Uncertain significance. Review status: criteria provided, multiple submitters, no conflicts (2 of 4 stars). 2 submissions from 2 submitters: Uncertain significance (2). Last evaluated 2024-04-10.

Conditions:
Cenani-Lenz syndactyly syndrome. Also called: CENANI SYNDACTYLISM; SYNDACTYLY, TYPE VII. Identifiers: Orphanet 3258, MedGen C1859309, MONDO:0008931, OMIM 212780.
Sclerosteosis 2 (SOST2). Identifiers: Orphanet 3152, MedGen C3280402, MONDO:0013679, OMIM 614305.
Congenital myasthenic syndrome 17. Identifiers: Orphanet 590, MedGen C4225377, MONDO:0014578, OMIM 616304.

Allele frequency attached by ClinVar (database versions not stated): gnomAD exomes 0.00001 and 0.00002; TOPMed 0.00001; ExAC 0.00002; gnomAD 0.00001.
gnomAD v4.1: 14 of 1,613,916 alleles (0.00087%); highest among the groups gnomAD compares: Middle Eastern, 0.016%; no homozygotes.

Submissions (2):

Fulgent Genetics
Classification: Uncertain significance for Cenani-Lenz syndactyly syndrome; Sclerosteosis 2; Congenital myasthenic syndrome 17. Last evaluated: 2024-04-10. Review status: criteria provided, single submitter. Criteria: ACMG Guidelines, 2015. Collection method: clinical testing. Allele origin: germline.

Labcorp Genetics (formerly Invitae), Labcorp
Classification: Uncertain significance for Cenani-Lenz syndactyly syndrome; Sclerosteosis 2; Congenital myasthenic syndrome 17. Last evaluated: 2023-11-13. Review status: criteria provided, single submitter. Criteria: Invitae Variant Classification Sherloc (09022015). Collection method: clinical testing. Allele origin: germline.
Comment: This sequence change replaces valine, which is neutral and non-polar, with glycine, which is neutral and non-polar, at codon 334 of the LRP4 protein (p.Val334Gly). This variant is present in population databases (rs767110056, gnomAD 0.004%). This variant has not been reported in the literature in individuals affected with LRP4-related conditions. ClinVar contains an entry for this variant (Variation ID: 535799). Advanced modeling of protein sequence and biophysical properties (such as structural, functional, and spatial information, amino acid conservation, physicochemical variation, residue mobility, and thermodynamic stability) performed at Invitae indicates that this missense variant is expected to disrupt LRP4 protein function with a positive predictive value of 80%. In summary, the available evidence is currently insufficient to determine the role of this variant in disease. Therefore, it has been classified as a Variant of Uncertain Significance.

NM_002334.4(LRP4):c.1001T>G (p.Val334Gly)

Gene: LRP4 (LDL receptor related protein 4; minus strand). Cytogenetic location: 11p11.2.
Variant type: single nucleotide variant.
Coding change: c.1001T>G on transcript NM_002334.4 (MANE Select); coding-DNA position 1001, T replaced by G.
Protein change: p.Val334Gly; replaces valine 334 with glycine.
Molecular consequence: missense variant.
Genome position (GRCh38, 1-based): chr11:46,896,257, A>C on the plus strand (T>G on the coding strand, the complement: LRP4 is on the minus strand). VCF-style: chr11-46896257-A-C. GRCh37 (hg19) VCF-style: chr11-46917808-A-C.
Other names: short protein forms V334G.
Identifiers: ClinVar variation 535799 (VCV000535799.9), dbSNP rs767110056, ClinGen allele CA5970306.